The following is an entry in ClinVar:

NM_001105206.3(LAMA4):c.1393_1395del (p.Asn465del)

Gene: LAMA4 (laminin subunit alpha 4; minus strand). Cytogenetic location: 6q21.
Variant type: Deletion.
Coding change: c.1393_1395del on transcript NM_001105206.3 (MANE Select); coding-DNA positions 1393 to 1395, 3 bases deleted (AAT; older notation c.1393_1395delAAT).
Protein change: p.Asn465del; deletes asparagine 465.
Molecular consequence: inframe deletion.
Genome position (GRCh38, 1-based): chr6:112,172,767-112,172,769, ATT deleted on the plus strand (AAT on the coding strand, the reverse complement: LAMA4 is on the minus strand). VCF-style (leftmost placement, unchanged base first): chr6-112172766-CATT-C. GRCh37 (hg19) VCF-style: chr6-112493968-CATT-C.
Other names: c.1372_1374del, p.Asn458del (NM_001105207.3, NM_002290.5); short protein forms N458del, N465del.
Identifiers: ClinVar variation 1771063 (VCV001771063.2), dbSNP rs1781796680, ClinGen allele CA1655245094.

ClinVar aggregate classification (germline): Uncertain significance (1 of 4 stars; one submission).

Conditions:
Cardiovascular phenotype. Identifiers: MedGen CN230736.

Allele frequency attached by ClinVar (database versions not stated): TOPMed 0.00001.

Submission:

Ambry Genetics
Classification: Uncertain significance for Cardiovascular phenotype. Last evaluated: 2021-09-27. Review status: criteria provided, single submitter. Criteria: Ambry Variant Classification Scheme 2023. Collection method: clinical testing. Allele origin: germline.
Comment: The c.1372_1374delAAT variant (also known as p.N458del) is located in coding exon 11 of the LAMA4 gene. This variant results from an in-frame AAT deletion at nucleotide positions 1372 to 1374. This results in the in-frame deletion of an asparagine at codon 458. This amino acid position is highly conserved in available vertebrate species. In addition, the in silico prediction for this alteration is inconclusive (Choi Y et al. PLoS ONE. 2012; 7(10):e46688). Since supporting evidence is limited at this time, the clinical significance of this alteration remains unclear.